The following is an entry in ClinVar:

ClinVar aggregate classification (germline): Pathogenic (0 of 4 stars; one submission).

Conditions:
Fanconi anemia complementation group A (FANCA). Also called: Fanconi anemia, group A; FANCA-Related Fanconi Anemia. Identifiers: Orphanet 84, MedGen C3469521, MONDO:0009215, OMIM 227650.

Submission:

Leiden Open Variation Database
Classification: Pathogenic for Fanconi anemia complementation group A. Last evaluated: 2020-02-28. Review status: no assertion criteria provided. Collection method: curation. Allele origin: germline. Affected: yes.
Comment: Curator: Arleen D. Auerbach. Submitter to LOVD: Arleen D. Auerbach.

Literature cited by the submitters: PubMed 10521298.

NC_000016.10:g.(89773385_89775741)_(89816657_?)del

Gene: FANCA (FA complementation group A; minus strand). Cytogenetic location: 16q24.3.
Variant type: Deletion.
Identifiers: ClinVar variation 974175 (VCV000974175.1).